The following is an entry in ClinVar:

NM_000368.5(TSC1):c.1369del (p.Ser457fs)

Gene: TSC1 (TSC complex subunit 1; minus strand). Cytogenetic location: 9q34.13.
Variant type: Deletion.
Coding change: c.1369del on transcript NM_000368.5 (MANE Select); coding-DNA position 1369, one base deleted (A; older notation c.1369delA).
Protein change: p.Ser457fs; shifts the reading frame from serine 457.
Molecular consequence: frameshift variant.
Genome position (GRCh38, 1-based): chr9:132,906,800, T deleted on the plus strand (A on the coding strand, the reverse complement: TSC1 is on the minus strand); the first of 2 consecutive T bases (chr9:132,906,800-132,906,801); deleting either gives the same sequence. VCF-style (leftmost placement, unchanged base first): chr9-132906799-CT-C. GRCh37 (hg19) VCF-style: chr9-135782186-CT-C.
Other names: c.1369delA (NM_000368.4); c.1366del, p.Ser456fs (NM_001162426.2); c.1216del, p.Ser406fs (NM_001162427.2); c.1006del, p.Ser336fs (NM_001362177.2); short protein forms S336fs, S457fs, S406fs, S456fs.
Identifiers: ClinVar variation 48775 (VCV000048775.6), dbSNP rs118203523, ClinGen allele CA004755.

ClinVar aggregate classification (germline): Pathogenic. Review status: criteria provided, single submitter (1 of 4 stars). 2 submissions from 2 submitters: Pathogenic (1). 1 of the submissions does not count toward it. Last evaluated 2025-04-09.

Conditions:
Tuberous sclerosis syndrome (TSC). Also called: Tuberous Sclerosis Complex; Tuberous sclerosis. Identifiers: Orphanet 805, MedGen C0041341, MONDO:0001734.
Tuberous sclerosis 1 (TSC1). Identifiers: Orphanet 805, MedGen C1854465, MONDO:0008612, OMIM 191100.

Submissions (2):

Labcorp Genetics (formerly Invitae), Labcorp
Classification: Pathogenic for Tuberous sclerosis 1. Last evaluated: 2025-04-09. Review status: criteria provided, single submitter. Criteria: Invitae Variant Classification Sherloc (09022015). Collection method: clinical testing. Allele origin: germline.
Comment: This sequence change creates a premature translational stop signal (p.Ser457Valfs*7) in the TSC1 gene. It is expected to result in an absent or disrupted protein product. Loss-of-function variants in TSC1 are known to be pathogenic (PMID: 10227394, 17304050). This variant is not present in population databases (gnomAD no frequency). This variant has not been reported in the literature in individuals affected with TSC1-related conditions. ClinVar contains an entry for this variant (Variation ID: 48775). Algorithms developed to predict the effect of sequence changes on RNA splicing suggest that this variant may disrupt the consensus splice site. For these reasons, this variant has been classified as Pathogenic.

Tuberous sclerosis database (TSC1)
No classification provided. Condition: TSC. Review status: no classification provided. Criteria: Tuberous Sclerosis Database Assertion Criteria 2015. Collection method: curation. Allele origin: germline. Affected: yes. Not counted in ClinVar's aggregate classification.

Literature cited by the submitters: PubMed 10227394 (cited by Labcorp Genetics (formerly Invitae), Labcorp); PubMed 17304050 (cited by Labcorp Genetics (formerly Invitae), Labcorp).